The following is an entry in ClinVar:

ClinVar aggregate classification (germline): Uncertain significance (1 of 4 stars; one submission).

Conditions:
Nephronophthisis. Also called: Juvenile Nephronophthisis. Identifiers: Orphanet 655, MedGen C0687120, MONDO:0019005, HP:0000090.

Submission:

Labcorp Genetics (formerly Invitae), Labcorp
Classification: Uncertain significance for Nephronophthisis. Last evaluated: 2021-05-08. Review status: criteria provided, single submitter. Criteria: Invitae Variant Classification Sherloc (09022015). Collection method: clinical testing. Allele origin: germline.
Comment: This sequence change replaces alanine with glycine at codon 3 of the NPHP1 protein (p.Ala3Gly). The alanine residue is moderately conserved and there is a small physicochemical difference between alanine and glycine. This variant is not present in population databases (ExAC no frequency). This variant has not been reported in the literature in individuals with NPHP1-related conditions. Algorithms developed to predict the effect of missense changes on protein structure and function (SIFT, PolyPhen-2, Align-GVGD) all suggest that this variant is likely to be tolerated, but these predictions have not been confirmed by published functional studies and their clinical significance is uncertain. In summary, the available evidence is currently insufficient to determine the role of this variant in disease. Therefore, it has been classified as a Variant of Uncertain Significance.

NM_001128178.3(NPHP1):c.8C>G (p.Ala3Gly)

Gene: NPHP1 (nephrocystin 1; minus strand). Cytogenetic location: 2q13.
Variant type: single nucleotide variant.
Coding change: c.8C>G on transcript NM_001128178.3 (MANE Select); coding-DNA position 8, C replaced by G.
Protein change: p.Ala3Gly; replaces alanine 3 with glycine.
Molecular consequence: missense variant.
Genome position (GRCh38, 1-based): chr2:110,204,961, G>C on the plus strand (C>G on the coding strand, the complement: NPHP1 is on the minus strand). VCF-style: chr2-110204961-G-C. GRCh37 (hg19) VCF-style: chr2-110962538-G-C.
Other names: c.8C>G, p.Ala3Gly (NM_000272.5, NM_001128179.3, NM_001374256.1 and 2 more transcripts); short protein forms A3G.
Identifiers: ClinVar variation 1489894 (VCV001489894.8), dbSNP rs1685843048, ClinGen allele CA348094352.